The following is an entry in ClinVar:

ClinVar aggregate classification (germline): Likely benign. Review status: criteria provided, multiple submitters, no conflicts (2 of 4 stars). 4 submissions from 4 submitters: Likely benign (2). 2 of the submissions do not count toward it. Last evaluated 2026-01-18.

Conditions:
SLC22A5-related disorder. Also called: SLC22A5-related condition.
Decreased circulating carnitine concentration. Also called: Decreased plasma carnitine. Identifiers: MedGen C5848230, HP:0003234.
Renal carnitine transport defect (CDSP). Also called: CARNITINE DEFICIENCY, SYSTEMIC, DUE TO DEFECT IN RENAL REABSORPTION OF CARNITINE; CARNITINE TRANSPORTER, PLASMA-MEMBRANE, DEFICIENCY OF; CARNITINE UPTAKE DEFECT; Carnitine Deficiency, Systemic; Carnitine transporter deficiency; Systemic primary carnitine deficiency disease. Identifiers: Orphanet 158, MedGen C0342788, MONDO:0008919, OMIM 212140.

Allele frequency attached by ClinVar (database versions not stated): gnomAD exomes below 0.00001 and 0.00004; gnomAD 0.00001.
gnomAD v4.1: 53 of 1,607,926 alleles (0.0033%); highest among the groups gnomAD compares: Non-Finnish European, 0.0043%; no homozygotes.

Submissions (4):

Labcorp Genetics (formerly Invitae), Labcorp
Classification: Likely benign for Renal carnitine transport defect. Last evaluated: 2026-01-18. Review status: criteria provided, single submitter. Criteria: Invitae Variant Classification Sherloc (09022015). Collection method: clinical testing. Allele origin: germline.

Blueprint Genetics
Classification: Likely benign. Last evaluated: 2024-02-21. Review status: criteria provided, single submitter. Criteria: ACMG Guidelines, 2015. Collection method: clinical testing. Allele origin: germline.

Natera, Inc.
Classification: Likely benign for Carnitine deficiency. Last evaluated: 2021-05-03. Review status: no assertion criteria provided. Collection method: clinical testing. Allele origin: germline. Not counted in ClinVar's aggregate classification.

PreventionGenetics, part of Exact Sciences
Classification: Likely benign for SLC22A5-related condition. Last evaluated: 2021-05-03. Review status: no assertion criteria provided. Collection method: clinical testing. Allele origin: germline. Not counted in ClinVar's aggregate classification.
Comment: This variant is classified as likely benign based on ACMG/AMP sequence variant interpretation guidelines (Richards et al. 2015 PMID: 25741868, with internal and published modifications).

NM_003060.4(SLC22A5):c.318G>A (p.Gly106=)

Gene: SLC22A5 (solute carrier family 22 member 5; plus strand). Cytogenetic location: 5q31.1.
Variant type: single nucleotide variant.
Coding change: c.318G>A on transcript NM_003060.4 (MANE Select); coding-DNA position 318, G replaced by A.
Protein change: p.Gly106=; no amino-acid change (glycine 106 retained).
Molecular consequence: synonymous variant.
Genome position (GRCh38, 1-based): chr5:132,370,290, G>A. VCF-style: chr5-132370290-G-A. GRCh37 (hg19) VCF-style: chr5-131705982-G-A.
Other names: c.318G>A, p.Gly106= (NM_001308122.2).
Identifiers: ClinVar variation 779768 (VCV000779768.18), dbSNP rs1214969369, ClinGen allele CA446494834.